The following is an entry in ClinVar:

ClinVar aggregate classification (germline): Uncertain significance (1 of 4 stars; one submission).

Conditions:
Primary ciliary dyskinesia 6. Also called: Primary Ciliary Dyskinesia 6: TXNDC3-Related Primary Ciliary Dyskinesia. Identifiers: Orphanet 244, MedGen C1970506, MONDO:0012571, OMIM 610852.

Allele frequency attached by ClinVar (database versions not stated): ExAC 0.00004; gnomAD 0.00001; gnomAD exomes 0.00001.
gnomAD v4.1: 16 of 1,612,592 alleles (0.00099%); highest among the groups gnomAD compares: East Asian, 0.0045%; no homozygotes.

Submission:

Labcorp Genetics (formerly Invitae), Labcorp
Classification: Uncertain significance for Primary ciliary dyskinesia 6. Last evaluated: 2023-06-11. Review status: criteria provided, single submitter. Criteria: Invitae Variant Classification Sherloc (09022015). Collection method: clinical testing. Allele origin: germline.
Comment: This sequence change replaces aspartic acid, which is acidic and polar, with asparagine, which is neutral and polar, at codon 306 of the NME8 protein (p.Asp306Asn). The frequency data for this variant in the population databases is considered unreliable, as metrics indicate poor data quality at this position in the gnomAD database. This variant has not been reported in the literature in individuals affected with NME8-related conditions. Advanced modeling of protein sequence and biophysical properties (such as structural, functional, and spatial information, amino acid conservation, physicochemical variation, residue mobility, and thermodynamic stability) performed at Invitae indicates that this missense variant is not expected to disrupt NME8 protein function. In summary, the available evidence is currently insufficient to determine the role of this variant in disease. Therefore, it has been classified as a Variant of Uncertain Significance.

NM_016616.5(NME8):c.916G>A (p.Asp306Asn)

Gene: NME8 (NME/NM23 family member 8; plus strand). Cytogenetic location: 7p14.1.
Variant type: single nucleotide variant.
Coding change: c.916G>A on transcript NM_016616.5 (MANE Select); coding-DNA position 916, G replaced by A.
Protein change: p.Asp306Asn; replaces aspartic acid 306 with asparagine.
Molecular consequence: missense variant.
Genome position (GRCh38, 1-based): chr7:37,876,929, G>A. VCF-style: chr7-37876929-G-A. GRCh37 (hg19) VCF-style: chr7-37916531-G-A.
Other names: short protein forms D306N.
Identifiers: ClinVar variation 2902692 (VCV002902692.3), dbSNP rs758445291, ClinGen allele CA4222364.